The following is an entry in ClinVar:

NM_001103.4(ACTN2):c.*1087G>A

Gene: ACTN2 (actinin alpha 2; plus strand). Cytogenetic location: 1q43.
Variant type: single nucleotide variant.
Coding change: c.*1087G>A on transcript NM_001103.4 (MANE Select); 1087 bases downstream of the stop codon, G replaced by A.
Molecular consequence: 3 prime UTR variant.
Genome position (GRCh38, 1-based): chr1:236,763,706, G>A. VCF-style: chr1-236763706-G-A. GRCh37 (hg19) VCF-style: chr1-236927006-G-A.
Other names: c.*1087G>A (NM_001278343.2, NM_001278344.2).
Identifiers: ClinVar variation 296525 (VCV000296525.5), dbSNP rs11801672, ClinGen allele CA10609626.
Genomic context (GRCh38, chr1:236,763,706, plus strand): 5'-TTCTTTCTTTTGCGGAAGCTTTACATATGTTTTGTGTAGTAGGAATAACTAGATATTTTA[G>A]CTAGTGTGCGGTGTGTGTTCACCCCTGGGATTGGACAGTGTATCCTAACAAGTCCCATGT-3'

ClinVar aggregate classification (germline): Likely benign (1 of 4 stars; one submission).

Conditions:
Dilated cardiomyopathy 1AA (CMD1AA). Also called: CARDIOMYOPATHY, DILATED, 1AA, WITH OR WITHOUT LEFT VENTRICULAR NONCOMPACTION; CARDIOMYOPATHY, FAMILIAL HYPERTROPHIC, 23, WITH OR WITHOUT LEFT VENTRICULAR NONCOMPACTION; Cardiomyopathy, dilated, 1AA, with or without LVNC. Identifiers: Orphanet 154, MedGen C2677338, MONDO:0012808, OMIM 612158.

Allele frequency attached by ClinVar (database versions not stated): gnomAD 0.00953 and 0.01019; TOPMed 0.01084; 1000 Genomes Project 30x 0.01109; 1000 Genomes Project 0.01138.

Submission:

Illumina Laboratory Services, Illumina
Classification: Likely benign for Dilated cardiomyopathy 1AA. Last evaluated: 2018-01-12. Review status: criteria provided, single submitter. Criteria: ICSL Variant Classification Criteria 13 December 2019. Collection method: clinical testing. Allele origin: germline.
Comment: This variant was observed in the ICSL laboratory as part of a predisposition screen in an ostensibly healthy population. It had not been previously curated by ICSL or reported in the Human Gene Mutation Database (HGMD: prior to June 1st, 2018), and was therefore a candidate for classification through an automated scoring system. Utilizing variant allele frequency, disease prevalence and penetrance estimates, and inheritance mode, an automated score was calculated to assess if this variant is too frequent to cause the disease. Based on the score and internal cut-off values, a variant classified as likely benign is not then subjected to further curation. The score for this variant resulted in a classification of likely benign for this disease.